The following is an entry in ClinVar:

NM_001162501.2(TNRC6B):c.2965+5G>A

Gene: TNRC6B (trinucleotide repeat containing adaptor 6B; plus strand). Cytogenetic location: 22q13.1.
Variant type: single nucleotide variant.
Coding change: c.2965+5G>A on transcript NM_001162501.2 (MANE Select); 5 bases into the intron after coding-DNA position 2965, G replaced by A.
Molecular consequence: intron variant.
Genome position (GRCh38, 1-based): chr22:40,270,285, G>A. VCF-style: chr22-40270285-G-A. GRCh37 (hg19) VCF-style: chr22-40666289-G-A.
Other names: c.724+5G>A (NM_001024843.2); c.2807-3140G>A (NM_015088.3).
Identifiers: ClinVar variation 4886235 (VCV004886235.2).

ClinVar aggregate classification (germline): Uncertain significance (1 of 4 stars; one submission).

gnomAD v4.1: 1 of 1,359,450 alleles (0.000074%); highest among the groups gnomAD compares: Non-Finnish European, 0.000096%; no homozygotes.

Submission:

Dasa
Classification: Uncertain significance. Last evaluated: 2025-10-20. Review status: criteria provided, single submitter. Criteria: DASA Assertion Criteria. Collection method: clinical testing. Allele origin: germline.
Comment: NM_001162501.2(TNRC6B):c.2965+5G>A is a splice-region variant. This variant is rare in population databases. Computational prediction algorithms are consistent with a deleterious effect. The currently available literature and clinical evidence are not sufficient to establish a definitive association between this variant and the reported condition. Therefore, this variant is classified as a variant of uncertain significance.